The following is an entry in ClinVar:

ClinVar aggregate classification (germline): Uncertain significance. Review status: criteria provided, multiple submitters, no conflicts (2 of 4 stars). 2 submissions from 2 submitters: Uncertain significance (2). Last evaluated 2025-08-13.

Conditions:
Inborn genetic diseases. Identifiers: MedGen C0950123, MeSH D030342.
Pitt-Hopkins-like syndrome 2 (PTHSL2). Identifiers: Orphanet 221150, Orphanet 600663, MedGen C3280479, MONDO:0013690, OMIM 614325.

Allele frequency attached by ClinVar (database versions not stated): gnomAD exomes below 0.00001 and 0.00001; ExAC 0.00001; gnomAD 0.00001; TOPMed 0.00001; 1000 Genomes Project 0.00020; 1000 Genomes Project 30x 0.00031.
gnomAD v4.1: 3 of 1,611,082 alleles (0.00019%); highest among the groups gnomAD compares: Admixed American, 0.0017%; no homozygotes.

Submissions (2):

Ambry Genetics
Classification: Uncertain significance for Inborn genetic diseases. Last evaluated: 2025-08-13. Review status: criteria provided, single submitter. Criteria: Ambry Variant Classification Scheme 2023. Collection method: clinical testing. Allele origin: germline.

Labcorp Genetics (formerly Invitae), Labcorp
Classification: Uncertain significance for Pitt-Hopkins-like syndrome 2. Last evaluated: 2023-07-14. Review status: criteria provided, single submitter. Criteria: Invitae Variant Classification Sherloc (09022015). Collection method: clinical testing. Allele origin: germline.
Comment: ClinVar contains an entry for this variant (Variation ID: 936397). This variant has not been reported in the literature in individuals affected with NRXN1-related conditions. This variant is present in population databases (rs192848776, gnomAD 0.0009%). This sequence change replaces alanine, which is neutral and non-polar, with threonine, which is neutral and polar, at codon 1109 of the NRXN1 protein (p.Ala1109Thr). In summary, the available evidence is currently insufficient to determine the role of this variant in disease. Therefore, it has been classified as a Variant of Uncertain Significance. An algorithm developed to predict the effect of missense changes on protein structure and function (PolyPhen-2) suggests that this variant is likely to be disruptive.

NM_001330078.2(NRXN1):c.3205G>A (p.Ala1069Thr)

Gene: NRXN1 (neurexin 1; minus strand). Cytogenetic location: 2p16.3.
Variant type: single nucleotide variant.
Coding change: c.3205G>A on transcript NM_001330078.2 (MANE Select); coding-DNA position 3205, G replaced by A.
Protein change: p.Ala1069Thr; replaces alanine 1069 with threonine.
Molecular consequence: missense variant.
Genome position (GRCh38, 1-based): chr2:50,472,337, C>T on the plus strand (G>A on the coding strand, the complement: NRXN1 is on the minus strand). VCF-style: chr2-50472337-C-T. GRCh37 (hg19) VCF-style: chr2-50699475-C-T.
Other names: c.3325G>A, p.Ala1109Thr (NM_001135659.3); c.3181G>A, p.Ala1061Thr (NM_001330077.2, NM_001330082.2); c.3139G>A, p.Ala1047Thr (NM_001330083.2, NM_001330084.2); c.3178G>A, p.Ala1060Thr (NM_001330085.2); c.3205G>A, p.Ala1069Thr (NM_001330086.2, NM_004801.6); c.3094G>A, p.Ala1032Thr (NM_001330087.2, NM_001330096.2); c.3124G>A, p.Ala1042Thr (NM_001330088.2); c.3202G>A, p.Ala1068Thr (NM_001330093.2); and 2 more; short protein forms A1047T, A1065T, A1109T, A1042T, A1052T, A1060T, A1069T, A1032T.
Identifiers: ClinVar variation 936397 (VCV000936397.13), dbSNP rs192848776, ClinGen allele CA1654643.